The following is an entry in ClinVar:

ClinVar aggregate classification (germline): Uncertain significance. Review status: criteria provided, multiple submitters, no conflicts (2 of 4 stars). 2 submissions from 2 submitters: Uncertain significance (2). Last evaluated 2022-11-26.

Conditions:
Hereditary nonpolyposis colorectal neoplasms. Identifiers: MedGen C0009405, MeSH D003123.
Hereditary cancer-predisposing syndrome. Also called: Tumor predisposition; Hereditary neoplastic syndrome; Neoplastic Syndromes, Hereditary; Hereditary Cancer Syndrome. Identifiers: Orphanet 140162, MedGen C0027672, MeSH D009386, MONDO:0015356.

Submissions (2):

Ambry Genetics
Classification: Uncertain significance for Hereditary cancer-predisposing syndrome. Last evaluated: 2022-11-26. Review status: criteria provided, single submitter. Criteria: Ambry Variant Classification Scheme 2023. Collection method: clinical testing. Allele origin: germline.
Comment: The p.L773F variant (also known as c.2317C>T), located in coding exon 4 of the MSH6 gene, results from a C to T substitution at nucleotide position 2317. The leucine at codon 773 is replaced by phenylalanine, an amino acid with highly similar properties. This amino acid position is conserved. In addition, this alteration is predicted to be deleterious by in silico analysis. Since supporting evidence is limited at this time, the clinical significance of this alteration remains unclear.

Labcorp Genetics (formerly Invitae), Labcorp
Classification: Uncertain significance for Hereditary nonpolyposis colorectal neoplasms. Last evaluated: 2021-06-14. Review status: criteria provided, single submitter. Criteria: Invitae Variant Classification Sherloc (09022015). Collection method: clinical testing. Allele origin: germline.
Comment: In summary, the available evidence is currently insufficient to determine the role of this variant in disease. Therefore, it has been classified as a Variant of Uncertain Significance. Advanced modeling of protein sequence and biophysical properties (such as structural, functional, and spatial information, amino acid conservation, physicochemical variation, residue mobility, and thermodynamic stability) performed at Invitae indicates that this missense variant is expected to disrupt MSH6 protein function. This variant has not been reported in the literature in individuals with MSH6-related conditions. This variant is not present in population databases (ExAC no frequency). This sequence change replaces leucine with phenylalanine at codon 773 of the MSH6 protein (p.Leu773Phe). The leucine residue is highly conserved and there is a small physicochemical difference between leucine and phenylalanine.

NM_000179.3(MSH6):c.2317C>T (p.Leu773Phe)

Gene: MSH6 (mutS homolog 6; plus strand). Cytogenetic location: 2p16.3.
Variant type: single nucleotide variant.
Coding change: c.2317C>T on transcript NM_000179.3 (MANE Select); coding-DNA position 2317, C replaced by T.
Protein change: p.Leu773Phe; replaces leucine 773 with phenylalanine.
Molecular consequence: missense variant.
Genome position (GRCh38, 1-based): chr2:47,800,300, C>T. VCF-style: chr2-47800300-C-T. GRCh37 (hg19) VCF-style: chr2-48027439-C-T.
Other names: c.2317C>T (NM_000179.2); c.1927C>T, p.Leu643Phe (NM_001281492.2); c.1411C>T, p.Leu471Phe (NM_001281493.2, NM_001281494.2); short protein forms L643F, L773F, L471F.
Identifiers: ClinVar variation 1361030 (VCV001361030.10), dbSNP rs1064793871, ClinGen allele CA346753179.